The following is an entry in ClinVar:

ClinVar aggregate classification (germline): Uncertain significance. Review status: criteria provided, multiple submitters, no conflicts (2 of 4 stars). 2 submissions from 2 submitters: Uncertain significance (2). Last evaluated 2025-06-14.

Conditions:
Inborn genetic diseases. Identifiers: MedGen C0950123, MeSH D030342.

Allele frequency attached by ClinVar (database versions not stated): ExAC 0.00001; gnomAD exomes 0.00001; gnomAD 0.00003; TOPMed 0.00004.

Submissions (2):

Labcorp Genetics (formerly Invitae), Labcorp
Classification: Uncertain significance. Last evaluated: 2025-06-14. Review status: criteria provided, single submitter. Criteria: Invitae Variant Classification Sherloc (09022015). Collection method: clinical testing. Allele origin: germline.
Comment: This sequence change replaces arginine, which is basic and polar, with cysteine, which is neutral and slightly polar, at codon 861 of the DNA2 protein (p.Arg861Cys). This variant is present in population databases (rs764438351, gnomAD 0.02%). This variant has not been reported in the literature in individuals affected with DNA2-related conditions. ClinVar contains an entry for this variant (Variation ID: 1986292). Invitae Evidence Modeling of protein sequence and biophysical properties (such as structural, functional, and spatial information, amino acid conservation, physicochemical variation, residue mobility, and thermodynamic stability) indicates that this missense variant is not expected to disrupt DNA2 protein function with a negative predictive value of 80%. In summary, the available evidence is currently insufficient to determine the role of this variant in disease. Therefore, it has been classified as a Variant of Uncertain Significance.

Ambry Genetics
Classification: Uncertain significance for Inborn genetic diseases. Last evaluated: 2023-11-10. Review status: criteria provided, single submitter. Criteria: Ambry Variant Classification Scheme 2023. Collection method: clinical testing. Allele origin: germline.

NM_001080449.3(DNA2):c.2581C>T (p.Arg861Cys)

Gene: DNA2 (DNA replication helicase/nuclease 2; minus strand). Cytogenetic location: 10q21.3.
Variant type: single nucleotide variant.
Coding change: c.2581C>T on transcript NM_001080449.3 (MANE Select); coding-DNA position 2581, C replaced by T.
Protein change: p.Arg861Cys; replaces arginine 861 with cysteine.
Molecular consequence: missense variant. On other transcripts: non-coding transcript variant (1).
Genome position (GRCh38, 1-based): chr10:68,422,341, G>A on the plus strand (C>T on the coding strand, the complement: DNA2 is on the minus strand). VCF-style: chr10-68422341-G-A. GRCh37 (hg19) VCF-style: chr10-70182098-G-A.
Other names: c.2581C>T (NM_001080449.2); short protein forms R861C.
Identifiers: ClinVar variation 1986292 (VCV001986292.5), dbSNP rs764438351, ClinGen allele CA5524782.